The following is an entry in ClinVar:

NM_006383.4(CIB2):c.375_381del (p.Lys125fs)

Gene: CIB2 (calcium and integrin binding family member 2; minus strand). Cytogenetic location: 15q25.1.
Variant type: Deletion.
Coding change: c.375_381del on transcript NM_006383.4 (MANE Select); coding-DNA positions 375 to 381, 7 bases deleted (GGAGGAC; older notation c.375_381delGGAGGAC).
Protein change: p.Lys125fs; shifts the reading frame from lysine 125.
Molecular consequence: frameshift variant. On other transcripts: non-coding transcript variant (1).
Genome position (GRCh38, 1-based): chr15:78,105,900-78,105,906, GTCCTCC deleted on the plus strand (GGAGGAC on the coding strand, the reverse complement: CIB2 is on the minus strand). VCF-style (leftmost placement, unchanged base first): chr15-78105899-GGTCCTCC-G. GRCh37 (hg19) VCF-style: chr15-78398241-GGTCCTCC-G.
Other names: c.246_252del, p.Lys82fs (NM_001271888.2); c.228_234del, p.Lys76fs (NM_001271889.2); c.390_396del, p.Lys130fs (NM_001301224.2); short protein forms K125fs, K130fs, K76fs, K82fs.
Identifiers: ClinVar variation 3601879 (VCV003601879.1).

ClinVar aggregate classification (germline): Pathogenic (1 of 4 stars; one submission).

Conditions:
Autosomal recessive nonsyndromic hearing loss 48. Also called: Deafness, autosomal recessive 48; Usher Syndrome Type 1J. Identifiers: Orphanet 231169, Orphanet 886, Orphanet 90636, MedGen C1836199, MONDO:0012273, OMIM 609439.

Submission:

Institute of Rare Diseases, West China Hospital, Sichuan University
Classification: Pathogenic for Autosomal recessive nonsyndromic hearing loss 48. Last evaluated: 2025-01-09. Review status: criteria provided, single submitter. Criteria: ClinGen HL ACMG Specifications v1. Collection method: research. Allele origin: germline. Affected: yes.
Comment: PVS1;PM3_Supporting;PM2_Supporting